The following is an entry in ClinVar:

ClinVar aggregate classification (germline): Uncertain significance (1 of 4 stars; one submission).

Submissions (2):

Mayo Clinic Laboratories, Mayo Clinic
Classification: Uncertain significance. Last evaluated: 2024-05-29. Review status: criteria provided, single submitter. Criteria: ACMG Guidelines, 2015. Collection method: clinical testing. Allele origin: germline. Observed: 1 variant allele.
Comment: PM2, PVS1_moderate

Dr. Peter K. Rogan Lab, Western University
No classification provided (evidence only). Condition: Sarcoma. Review status: no classification provided. Collection method: in vitro. Allele origin: not applicable. Functional consequence: retained intron. Not counted in ClinVar's aggregate classification.

NM_004963.4(GUCY2C):c.1797G>A (p.Lys599=)

Gene: GUCY2C (guanylate cyclase 2C; minus strand). Cytogenetic location: 12p12.3.
Variant type: single nucleotide variant.
Coding change: c.1797G>A on transcript NM_004963.4 (MANE Select); coding-DNA position 1797, G replaced by A.
Protein change: p.Lys599=; no amino-acid change (lysine 599 retained).
Molecular consequence: synonymous variant.
Genome position (GRCh38, 1-based): chr12:14,645,229, C>T on the plus strand (G>A on the coding strand, the complement: GUCY2C is on the minus strand). VCF-style: chr12-14645229-C-T. GRCh37 (hg19) VCF-style: chr12-14798163-C-T.
Other names: p.Lys599=; NC_000012.11:g.14798163C>T.
Identifiers: ClinVar variation 3380094 (VCV003380094.2).